The following is an entry in ClinVar:

NM_005612.5(REST):c.457A>G (p.Ser153Gly)

Gene: REST (RE1 silencing transcription factor; plus strand). Cytogenetic location: 4q12.
Variant type: single nucleotide variant.
Coding change: c.457A>G on transcript NM_005612.5 (MANE Select); coding-DNA position 457, A replaced by G.
Protein change: p.Ser153Gly; replaces serine 153 with glycine.
Molecular consequence: missense variant.
Genome position (GRCh38, 1-based): chr4:56,911,095, A>G. VCF-style: chr4-56911095-A-G. GRCh37 (hg19) VCF-style: chr4-57777261-A-G.
Other names: c.457A>G, p.Ser153Gly (NM_001193508.2, NM_001363453.3); c.457A>G (NM_005612.4); short protein forms S153G.
Identifiers: ClinVar variation 999724 (VCV000999724.9), dbSNP rs1371092850, ClinGen allele CA357004036.

ClinVar aggregate classification (germline): Uncertain significance. Review status: criteria provided, multiple submitters, no conflicts (2 of 4 stars). 2 submissions from 2 submitters: Uncertain significance (2). Last evaluated 2025-10-23.

Conditions:
Inborn genetic diseases. Identifiers: MedGen C0950123, MeSH D030342.

Allele frequency attached by ClinVar (database versions not stated): gnomAD exomes below 0.00001; gnomAD 0.00001; TOPMed 0.00001.
gnomAD v4.1: 3 of 1,614,122 alleles (0.00019%); highest among the groups gnomAD compares: Non-Finnish European, 0.00025%; no homozygotes.

Submissions (2):

Ambry Genetics
Classification: Uncertain significance for Inborn genetic diseases. Last evaluated: 2025-10-23. Review status: criteria provided, single submitter. Criteria: Ambry Variant Classification Scheme 2023. Collection method: clinical testing. Allele origin: germline.

Labcorp Genetics (formerly Invitae), Labcorp
Classification: Uncertain significance. Last evaluated: 2022-10-14. Review status: criteria provided, single submitter. Criteria: Invitae Variant Classification Sherloc (09022015). Collection method: clinical testing. Allele origin: germline.
Comment: In summary, the available evidence is currently insufficient to determine the role of this variant in disease. Therefore, it has been classified as a Variant of Uncertain Significance. Algorithms developed to predict the effect of missense changes on protein structure and function (SIFT, PolyPhen-2, Align-GVGD) all suggest that this variant is likely to be tolerated. ClinVar contains an entry for this variant (Variation ID: 999724). This variant has not been reported in the literature in individuals affected with REST-related conditions. This variant is not present in population databases (gnomAD no frequency). This sequence change replaces serine, which is neutral and polar, with glycine, which is neutral and non-polar, at codon 153 of the REST protein (p.Ser153Gly).